The following is an entry in ClinVar:

NM_000051.4(ATM):c.8457C>T (p.Val2819=)

Genes: ATM (ATM serine/threonine kinase; plus strand), C11orf65 (chromosome 11 open reading frame 65; minus strand). Cytogenetic location: 11q22.3.
Variant type: single nucleotide variant.
Coding change: c.8457C>T on transcript NM_000051.4 (MANE Select); coding-DNA position 8457, C replaced by T.
Protein change: p.Val2819=; no amino-acid change (valine 2819 retained).
Molecular consequence: synonymous variant. On other transcripts: intron variant (2).
Genome position (GRCh38, 1-based): chr11:108,345,781, C>T. VCF-style: chr11-108345781-C-T. GRCh37 (hg19) VCF-style: chr11-108216508-C-T.
Other names: c.8457C>T, p.Val2819= (NM_001351834.2); c.641-36710G>A (NM_001330368.2); c.695-10489G>A (NM_001351110.2).
Identifiers: ClinVar variation 3254513 (VCV003254513.4), dbSNP rs2137027225.

ClinVar aggregate classification (germline): Benign/Likely benign. Review status: criteria provided, multiple submitters, no conflicts (2 of 4 stars). 3 submissions from 3 submitters: Benign (1); Likely benign (2). Last evaluated 2026-01-21.

Conditions:
Familial cancer of breast. Also called: hereditary breast carcinoma; BREAST CANCER, FAMILIAL; Hereditary breast cancer. Identifiers: Orphanet 227535, MedGen C0346153, MONDO:0016419, OMIM 114480. Disease mechanism: loss of function.
Hereditary cancer-predisposing syndrome. Also called: Neoplastic Syndromes, Hereditary; Tumor predisposition; Hereditary Cancer Syndrome; Hereditary neoplastic syndrome. Identifiers: Orphanet 140162, MedGen C0027672, MeSH D009386, MONDO:0015356.
Ataxia-telangiectasia syndrome (AT). Also called: Ataxia-telangiectasia; Ataxia-telangiectasia, complementation group D; AT, COMPLEMENTATION GROUP C; Ataxia-telangiectasia, complementation group E; LOUIS-BAR SYNDROME; Cerebello-oculocutaneous telangiectasia. Identifiers: Orphanet 100, MedGen C0004135, MONDO:0008840, OMIM 208900.

Submissions (3):

Ambry Genetics
Classification: Likely benign for Hereditary cancer-predisposing syndrome. Last evaluated: 2026-01-21. Review status: criteria provided, single submitter. Criteria: Ambry Variant Classification Scheme 2023. Collection method: clinical testing. Allele origin: germline.

Labcorp Genetics (formerly Invitae), Labcorp
Classification: Likely benign for Ataxia-telangiectasia syndrome. Last evaluated: 2025-01-06. Review status: criteria provided, single submitter. Criteria: Invitae Variant Classification Sherloc (09022015). Collection method: clinical testing. Allele origin: germline.

Myriad Genetics, Inc.
Classification: Benign for Familial cancer of breast. Last evaluated: 2024-06-20. Review status: criteria provided, single submitter. Criteria: Myriad Autosomal Dominant, Autosomal Recessive and X-Linked Classification Criteria (2023). Collection method: clinical testing. Allele origin: unknown.
Comment: This variant is considered benign. This variant is a silent/synonymous amino acid change and it is not expected to impact splicing.